The following is an entry in ClinVar:

NM_022369.4(STRA6):c.1223G>A (p.Arg408Gln)

Gene: STRA6 (signaling receptor and transporter of retinol STRA6; minus strand). Cytogenetic location: 15q24.1.
Variant type: single nucleotide variant.
Coding change: c.1223G>A on transcript NM_022369.4 (MANE Select); coding-DNA position 1223, G replaced by A.
Protein change: p.Arg408Gln; replaces arginine 408 with glutamine.
Molecular consequence: missense variant.
Genome position (GRCh38, 1-based): chr15:74,183,933, C>T on the plus strand (G>A on the coding strand, the complement: STRA6 is on the minus strand). VCF-style: chr15-74183933-C-T. GRCh37 (hg19) VCF-style: chr15-74476274-C-T.
Other names: c.1223G>A, p.Arg408Gln (NM_001142617.2, NM_001142618.2); c.1196G>A, p.Arg399Gln (NM_001142619.2); c.1334G>A, p.Arg445Gln (NM_001199040.2); c.1268G>A, p.Arg423Gln (NM_001199041.2); c.1340G>A, p.Arg447Gln (NM_001199042.2); short protein forms R408Q, R447Q, R423Q, R399Q, R445Q.
Identifiers: ClinVar variation 194429 (VCV000194429.63), dbSNP rs150814749, ClinGen allele CA201179.

ClinVar aggregate classification (germline): Benign/Likely benign. Review status: criteria provided, multiple submitters, no conflicts (2 of 4 stars). 8 submissions from 8 submitters: Benign (2); Likely benign (3). 3 of the submissions do not count toward it. Last evaluated 2025-10-21.

Conditions:
Microphthalmia, syndromic 9. Also called: SPEAR SYNDROME; ANOPHTHALMIA, CLINICAL, WITH MILD FACIAL DYSMORPHISM AND VARIABLE MALFORMATIONS OF THE LUNG, HEART, AND DIAPHRAGM; ANOPHTHALMIA/MICROPHTHALMIA AND PULMONARY HYPOPLASIA; PULMONARY AGENESIS, MICROPHTHALMIA, AND DIAPHRAGMATIC DEFECT; Matthew-Wood syndrome. Identifiers: Orphanet 2470, MedGen C1832661, MONDO:0011010, OMIM 601186.

Allele frequency attached by ClinVar (database versions not stated): 1000 Genomes Project 30x 0.00078; 1000 Genomes Project 0.00080; TOPMed 0.00304; ExAC 0.00367; gnomAD 0.00385 and 0.00390; gnomAD exomes 0.00394 and 0.00555; ESP Exome Variant Server 0.00577.

Submissions (8):

Labcorp Genetics (formerly Invitae), Labcorp
Classification: Benign for Microphthalmia, syndromic 9. Last evaluated: 2025-10-21. Review status: criteria provided, single submitter. Criteria: Invitae Variant Classification Sherloc (09022015). Collection method: clinical testing. Allele origin: germline.

CeGaT Center for Human Genetics Tuebingen
Classification: Likely benign. Last evaluated: 2025-02-01. Review status: criteria provided, single submitter. Criteria: CeGaT Center For Human Genetics Tuebingen Variant Classification Criteria Version 2. Collection method: clinical testing. Allele origin: germline. Affected: yes. Observed: 7 variant alleles.
Comment: STRA6: BP4, BS2

Mendelics
Classification: Benign for Microphthalmia, syndromic 9. Last evaluated: 2019-05-28. Review status: criteria provided, single submitter. Criteria: Mendelics Assertion Criteria 2017. Collection method: clinical testing. Allele origin: unknown.

Illumina Laboratory Services, Illumina
Classification: Likely benign for Microphthalmia, syndromic 9. Last evaluated: 2018-01-12. Review status: criteria provided, single submitter. Criteria: ICSL Variant Classification Criteria 13 December 2019. Collection method: clinical testing. Allele origin: germline.
Comment: This variant was observed in the ICSL laboratory as part of a predisposition screen in an ostensibly healthy population. It had not been previously curated by ICSL or reported in the Human Gene Mutation Database (HGMD: prior to June 1st, 2018), and was therefore a candidate for classification through an automated scoring system. Utilizing variant allele frequency, disease prevalence and penetrance estimates, and inheritance mode, an automated score was calculated to assess if this variant is too frequent to cause the disease. Based on the score and internal cut-off values, a variant classified as likely benign is not then subjected to further curation. The score for this variant resulted in a classification of likely benign for this disease.

Eurofins Ntd Llc (ga)
Classification: Likely benign. Last evaluated: 2014-10-22. Review status: criteria provided, single submitter. Criteria: EGL Classification Definitions 2015. Collection method: clinical testing. Allele origin: germline. Observed: 1 variant allele, 1 heterozygote.

Clinical Genetics DNA and cytogenetics Diagnostics Lab, Erasmus MC, Erasmus Medical Center
Classification: Likely benign. Review status: no assertion criteria provided. Collection method: clinical testing. Allele origin: germline. Affected: yes. Study: VKGL Data-share Consensus. Not counted in ClinVar's aggregate classification.

Genome Diagnostics Laboratory, University Medical Center Utrecht
Classification: Likely benign. Review status: no assertion criteria provided. Collection method: clinical testing. Allele origin: germline. Affected: yes. Study: VKGL Data-share Consensus. Not counted in ClinVar's aggregate classification.

Laboratory of Diagnostic Genome Analysis, Leiden University Medical Center (LUMC)
Classification: Likely benign. Review status: no assertion criteria provided. Collection method: clinical testing. Allele origin: germline. Affected: yes. Study: VKGL Data-share Consensus. Not counted in ClinVar's aggregate classification.